The following is an entry in ClinVar:

NM_001303256.3(MORC2):c.2776A>C (p.Ser926Arg)

Gene: MORC2 (MORC family CW-type zinc finger 2; minus strand). Cytogenetic location: 22q12.2.
Variant type: single nucleotide variant.
Coding change: c.2776A>C on transcript NM_001303256.3 (MANE Select); coding-DNA position 2776, A replaced by C.
Protein change: p.Ser926Arg; replaces serine 926 with arginine.
Molecular consequence: missense variant.
Genome position (GRCh38, 1-based): chr22:30,932,424, T>G on the plus strand (A>C on the coding strand, the complement: MORC2 is on the minus strand). VCF-style: chr22-30932424-T-G. GRCh37 (hg19) VCF-style: chr22-31328411-T-G.
Other names: c.2776A>C, p.Ser926Arg (NM_001303257.2); c.2590A>C, p.Ser864Arg (NM_014941.3); short protein forms S926R, S864R.
Identifiers: ClinVar variation 4692675 (VCV004692675.3).

ClinVar aggregate classification (germline): Conflicting classifications of pathogenicity. Review status: criteria provided, conflicting classifications (1 of 4 stars). 2 submissions from 2 submitters: Uncertain significance (1); Likely benign (1). Last evaluated 2026-04-01.

Conditions:
Charcot-Marie-Tooth disease axonal type 2Z. Also called: CHARCOT-MARIE-TOOTH DISEASE, AXONAL, AUTOSOMAL DOMINANT, TYPE 2Z; CHARCOT-MARIE-TOOTH NEUROPATHY, TYPE 2Z. Identifiers: Orphanet 466768, MedGen C5569025, MONDO:0014736, OMIM 616688.

gnomAD v4.1: 4 of 1,613,966 alleles (0.00025%); highest among the groups gnomAD compares: Non-Finnish European, 0.00025%; no homozygotes.

Submissions (2):

CeGaT Center for Human Genetics Tuebingen
Classification: Likely benign. Last evaluated: 2026-04-01. Review status: criteria provided, single submitter. Criteria: CeGaT Center For Human Genetics Tuebingen Variant Classification Criteria Version 2. Collection method: clinical testing. Allele origin: germline. Affected: yes. Observed: 1 variant allele.
Comment: MORC2: BP4

Labcorp Genetics (formerly Invitae), Labcorp
Classification: Uncertain significance for Charcot-Marie-Tooth disease axonal type 2Z. Last evaluated: 2025-09-05. Review status: criteria provided, single submitter. Criteria: Invitae Variant Classification Sherloc (09022015). Collection method: clinical testing. Allele origin: germline.
Comment: This sequence change replaces serine, which is neutral and polar, with arginine, which is basic and polar, at codon 926 of the MORC2 protein (p.Ser926Arg). This variant is not present in population databases (gnomAD no frequency). This variant has not been reported in the literature in individuals affected with MORC2-related conditions. Invitae Evidence Modeling of protein sequence and biophysical properties (such as structural, functional, and spatial information, amino acid conservation, physicochemical variation, residue mobility, and thermodynamic stability) indicates that this missense variant is not expected to disrupt MORC2 protein function with a negative predictive value of 95%. In summary, the available evidence is currently insufficient to determine the role of this variant in disease. Therefore, it has been classified as a Variant of Uncertain Significance.